The following is an entry in ClinVar:

ClinVar aggregate classification (germline): Uncertain significance (1 of 4 stars; one submission).

gnomAD v4.1: 3 of 1,562,394 alleles (0.00019%); highest among the groups gnomAD compares: Non-Finnish European, 0.00026%; no homozygotes.

Submission:

GeneDx
Classification: Uncertain significance. Last evaluated: 2024-09-13. Review status: criteria provided, single submitter. Criteria: GeneDx Variant Classification Process June 2021. Collection method: clinical testing. Allele origin: germline. Affected: yes.
Comment: Not observed at significant frequency in large population cohorts (gnomAD); In silico analysis supports that this missense variant has a deleterious effect on protein structure/function; Has not been previously published as pathogenic or benign to our knowledge; In silico analysis suggests this variant may impact gene splicing. In the absence of RNA/functional studies, the actual effect of this sequence change is unknown.

NM_018699.4(PRDM5):c.866G>A (p.Gly289Glu)

Gene: PRDM5 (PR/SET domain 5; minus strand). Cytogenetic location: 4q27.
Variant type: single nucleotide variant.
Coding change: c.866G>A on transcript NM_018699.4 (MANE Select); coding-DNA position 866, G replaced by A.
Protein change: p.Gly289Glu; replaces glycine 289 with glutamic acid.
Molecular consequence: missense variant.
Genome position (GRCh38, 1-based): chr4:120,811,449, C>T on the plus strand (G>A on the coding strand, the complement: PRDM5 is on the minus strand). VCF-style: chr4-120811449-C-T. GRCh37 (hg19) VCF-style: chr4-121732604-C-T.
Other names: c.773G>A, p.Gly258Glu (NM_001300823.2, NM_001300824.2, NM_001379106.1); c.866G>A, p.Gly289Glu (NM_001379104.1); short protein forms G258E, G289E.
Identifiers: ClinVar variation 3769657 (VCV003769657.1).